The following is an entry in ClinVar:

NM_000531.6(OTC):c.629A>T (p.Lys210Ile)

Gene: OTC (ornithine transcarbamylase; plus strand). Cytogenetic location: Xp11.4.
Variant type: single nucleotide variant.
Coding change: c.629A>T on transcript NM_000531.6 (MANE Select); coding-DNA position 629, A replaced by T.
Protein change: p.Lys210Ile; replaces lysine 210 with isoleucine.
Molecular consequence: missense variant.
Genome position (GRCh38, 1-based): chrX:38,403,706, A>T. VCF-style: chrX-38403706-A-T. GRCh37 (hg19) VCF-style: chrX-38262959-A-T.
Other names: c.629A>T, p.Lys210Ile (NM_001407092.1); short protein forms K210I.
Identifiers: ClinVar variation 2100993 (VCV002100993.4), dbSNP rs2068502349, ClinGen allele CA412725781.

ClinVar aggregate classification (germline): Likely pathogenic (1 of 4 stars; one submission).

Conditions:
Ornithine carbamoyltransferase deficiency (OTCD). Also called: ORNITHINE TRANSCARBAMYLASE DEFICIENCY; ORNITHINE TRANSCARBAMYLASE DEFICIENCY, HYPERAMMONEMIA DUE TO; OTC DEFICIENCY; Ornithine Carbamoyltransferase Deficiency Disease. Identifiers: Orphanet 664, MedGen C0268542, MONDO:0010703, OMIM 311250.

Submission:

Labcorp Genetics (formerly Invitae), Labcorp
Classification: Likely pathogenic for Ornithine carbamoyltransferase deficiency. Last evaluated: 2022-02-21. Review status: criteria provided, single submitter. Criteria: Invitae Variant Classification Sherloc (09022015). Collection method: clinical testing. Allele origin: germline.
Comment: Advanced modeling of protein sequence and biophysical properties (such as structural, functional, and spatial information, amino acid conservation, physicochemical variation, residue mobility, and thermodynamic stability) performed at Invitae indicates that this missense variant is expected to disrupt OTC protein function. This sequence change replaces lysine, which is basic and polar, with isoleucine, which is neutral and non-polar, at codon 210 of the OTC protein (p.Lys210Ile). This variant is not present in population databases (gnomAD no frequency). This variant has not been reported in the literature in individuals affected with OTC-related conditions. This variant disrupts the p.Lys210 amino acid residue in OTC. Other variant(s) that disrupt this residue have been determined to be pathogenic (PMID: 15174800, 17044854, 23278509). This suggests that this residue is clinically significant, and that variants that disrupt this residue are likely to be disease-causing. In summary, the currently available evidence indicates that the variant is pathogenic, but additional data are needed to prove that conclusively. Therefore, this variant has been classified as Likely Pathogenic.

Literature cited by the submitters: PubMed 15174800; PubMed 17044854; PubMed 23278509.